The following is an entry in ClinVar:

NM_004736.4(XPR1):c.1748C>T (p.Thr583Ile)

Gene: XPR1 (xenotropic and polytropic retrovirus receptor 1; plus strand). Cytogenetic location: 1q25.3.
Variant type: single nucleotide variant.
Coding change: c.1748C>T on transcript NM_004736.4 (MANE Select); coding-DNA position 1748, C replaced by T.
Protein change: p.Thr583Ile; replaces threonine 583 with isoleucine.
Molecular consequence: missense variant. On other transcripts: non-coding transcript variant (1).
Genome position (GRCh38, 1-based): chr1:180,873,882, C>T. VCF-style: chr1-180873882-C-T. GRCh37 (hg19) VCF-style: chr1-180843018-C-T.
Other names: c.1553C>T, p.Thr518Ile (NM_001135669.2); short protein forms T583I, T518I.
Identifiers: ClinVar variation 2012820 (VCV002012820.4), dbSNP rs2526042561, ClinGen allele CA343842405.

ClinVar aggregate classification (germline): Uncertain significance (1 of 4 stars; one submission).

Submission:

Labcorp Genetics (formerly Invitae), Labcorp
Classification: Uncertain significance. Last evaluated: 2024-10-16. Review status: criteria provided, single submitter. Criteria: Invitae Variant Classification Sherloc (09022015). Collection method: clinical testing. Allele origin: germline.
Comment: This sequence change replaces threonine, which is neutral and polar, with isoleucine, which is neutral and non-polar, at codon 583 of the XPR1 protein (p.Thr583Ile). This variant is not present in population databases (gnomAD no frequency). This variant has not been reported in the literature in individuals affected with XPR1-related conditions. ClinVar contains an entry for this variant (Variation ID: 2012820). Invitae Evidence Modeling of protein sequence and biophysical properties (such as structural, functional, and spatial information, amino acid conservation, physicochemical variation, residue mobility, and thermodynamic stability) indicates that this missense variant is not expected to disrupt XPR1 protein function with a negative predictive value of 80%. In summary, the available evidence is currently insufficient to determine the role of this variant in disease. Therefore, it has been classified as a Variant of Uncertain Significance.